The following is an entry in ClinVar:

ClinVar aggregate classification (germline): Uncertain significance. Review status: criteria provided, multiple submitters, no conflicts (2 of 4 stars). 2 submissions from 2 submitters: Uncertain significance (2). Last evaluated 2025-07-03.

gnomAD v4.1: 40 of 1,613,984 alleles (0.0025%); highest among the groups gnomAD compares: Non-Finnish European, 0.0033%; no homozygotes.

Submissions (2):

Labcorp Genetics (formerly Invitae), Labcorp
Classification: Uncertain significance. Last evaluated: 2025-07-03. Review status: criteria provided, single submitter. Criteria: Invitae Variant Classification Sherloc (09022015). Collection method: clinical testing. Allele origin: germline.
Comment: This sequence change replaces glycine, which is neutral and non-polar, with alanine, which is neutral and non-polar, at codon 773 of the FLNB protein (p.Gly773Ala). This variant is present in population databases (rs373528443, gnomAD 0.003%). This variant has not been reported in the literature in individuals affected with FLNB-related conditions. ClinVar contains an entry for this variant (Variation ID: 3706277). Invitae Evidence Modeling of protein sequence and biophysical properties (such as structural, functional, and spatial information, amino acid conservation, physicochemical variation, residue mobility, and thermodynamic stability) has been performed for this missense variant. However, the output from this modeling did not meet the statistical confidence thresholds required to predict the impact of this variant on FLNB protein function. In summary, the available evidence is currently insufficient to determine the role of this variant in disease. Therefore, it has been classified as a Variant of Uncertain Significance.

GeneDx
Classification: Uncertain significance. Last evaluated: 2024-09-10. Review status: criteria provided, single submitter. Criteria: GeneDx Variant Classification Process June 2021. Collection method: clinical testing. Allele origin: germline. Affected: yes.
Comment: In silico analysis supports that this missense variant has a deleterious effect on protein structure/function; Has not been previously published as pathogenic or benign to our knowledge

NM_001457.4(FLNB):c.2318G>C (p.Gly773Ala)

Gene: FLNB (filamin B; plus strand). Cytogenetic location: 3p14.3.
Variant type: single nucleotide variant.
Coding change: c.2318G>C on transcript NM_001457.4 (MANE Select); coding-DNA position 2318, G replaced by C.
Protein change: p.Gly773Ala; replaces glycine 773 with alanine.
Molecular consequence: missense variant.
Genome position (GRCh38, 1-based): chr3:58,109,694, G>C. VCF-style: chr3-58109694-G-C. GRCh37 (hg19) VCF-style: chr3-58095421-G-C.
Other names: c.2318G>C (NM_001457.3); c.2318G>C, p.Gly773Ala (NM_001164317.2, NM_001164318.2, NM_001164319.2); short protein forms G773A.
Identifiers: ClinVar variation 3706277 (VCV003706277.3).